The following is an entry in ClinVar:

ClinVar aggregate classification (germline): Uncertain significance (1 of 4 stars; one submission).

Conditions:
Spastic paraplegia. Identifiers: MedGen C0037772, HP:0001258.

Submission:

Labcorp Genetics (formerly Invitae), Labcorp
Classification: Uncertain significance for Spastic paraplegia. Last evaluated: 2019-04-01. Review status: criteria provided, single submitter. Criteria: Invitae Variant Classification Sherloc (09022015). Collection method: clinical testing. Allele origin: germline.
Comment: In summary, the available evidence is currently insufficient to determine the role of this variant in disease. Therefore, it has been classified as a Variant of Uncertain Significance. Algorithms developed to predict the effect of missense changes on protein structure and function are either unavailable or do not agree on the potential impact of this missense change (SIFT: "Deleterious"; PolyPhen-2: "Probably Damaging"; Align-GVGD: "Class C0"). This variant has not been reported in the literature in individuals with SACS-related conditions. This variant is not present in population databases (ExAC no frequency). This sequence change replaces leucine with methionine at codon 2227 of the SACS protein (p.Leu2227Met). The leucine residue is highly conserved and there is a small physicochemical difference between leucine and methionine.

NM_014363.6(SACS):c.6679T>A (p.Leu2227Met)

Gene: SACS (sacsin molecular chaperone; minus strand). Cytogenetic location: 13q12.12.
Variant type: single nucleotide variant.
Coding change: c.6679T>A on transcript NM_014363.6 (MANE Select); coding-DNA position 6679, T replaced by A.
Protein change: p.Leu2227Met; replaces leucine 2227 with methionine.
Molecular consequence: missense variant.
Genome position (GRCh38, 1-based): chr13:23,337,197, A>T on the plus strand (T>A on the coding strand, the complement: SACS is on the minus strand). VCF-style: chr13-23337197-A-T. GRCh37 (hg19) VCF-style: chr13-23911336-A-T.
Other names: c.6238T>A, p.Leu2080Met (NM_001278055.2); short protein forms L2080M, L2227M.
Identifiers: ClinVar variation 856322 (VCV000856322.9), dbSNP rs1868697576, ClinGen allele CA387520979.